The following is an entry in ClinVar:

NM_001429.4(EP300):c.3089C>T (p.Pro1030Leu)

Genes: EP300 (EP300 lysine acetyltransferase; plus strand), LOC126863158 (BRD4-independent group 4 enhancer GRCh37_chr22:41547383-41548582; plus strand). Cytogenetic location: 22q13.2.
Variant type: single nucleotide variant.
Coding change: c.3089C>T on transcript NM_001429.4 (MANE Select); coding-DNA position 3089, C replaced by T.
Protein change: p.Pro1030Leu; replaces proline 1030 with leucine.
Molecular consequence: missense variant.
Genome position (GRCh38, 1-based): chr22:41,152,297, C>T. VCF-style: chr22-41152297-C-T. GRCh37 (hg19) VCF-style: chr22-41548301-C-T.
Other names: c.3011C>T, p.Pro1004Leu (NM_001362843.2); short protein forms P1004L, P1030L.
Identifiers: ClinVar variation 5018325 (VCV005018325.1).

ClinVar aggregate classification (germline): Uncertain significance (1 of 4 stars; one submission).

Submission:

GeneDx
Classification: Uncertain significance. Last evaluated: 2026-04-09. Review status: criteria provided, single submitter. Criteria: GeneDx Variant Classification Process June 2021. Collection method: clinical testing. Allele origin: germline.
Comment: Not observed at significant frequency in large population cohorts (gnomAD); In silico analysis supports that this missense variant has a deleterious effect on protein structure/function; Has not been previously published as pathogenic or benign to our knowledge